The following is an entry in ClinVar:

ClinVar aggregate classification (germline): Uncertain significance (1 of 4 stars; one submission).

Conditions:
Hereditary diffuse gastric adenocarcinoma (HDGC). Also called: DIFFUSE GASTRIC AND LOBULAR BREAST CANCER SYNDROME. Identifiers: Orphanet 26106, MedGen C1708349, MONDO:0007648, OMIM 137215.

Allele frequency attached by ClinVar (database versions not stated): gnomAD exomes 0.00168.
gnomAD v4.1: 306 of 215,312 alleles (0.14%); highest among the groups gnomAD compares: Non-Finnish European, 0.19%; no homozygotes.

Submission:

European Reference Network on Genetic Tumour Risk Syndromes (ERN-GENTURIS), i3s - Instituto de Investigação e Inovação em Saúde, University of Porto
Classification: Uncertain significance for Hereditary diffuse gastric adenocarcinoma. Last evaluated: 2022-08-01. Review status: criteria provided, single submitter. Criteria: Lee et al. (Hum Mutat. 2018). Collection method: clinical testing. Allele origin: germline. Inheritance: Autosomal dominant inheritance. Affected: no. Study: ERN GENTURIS.
Comment: PM2 (PMID: 30311375)

Literature cited by the submitters: PubMed 36436516.

NM_004360.5(CDH1):c.48+63T>C

Gene: CDH1 (cadherin 1; plus strand). Cytogenetic location: 16q22.1.
Variant type: single nucleotide variant.
Coding change: c.48+63T>C on transcript NM_004360.5 (MANE Select); 63 bases into the intron after coding-DNA position 48, T replaced by C.
Molecular consequence: intron variant.
Genome position (GRCh38, 1-based): chr16:68,737,526, T>C. VCF-style: chr16-68737526-T-C. GRCh37 (hg19) VCF-style: chr16-68771429-T-C.
Other names: c.-1772+63T>C (NM_001317186.2); c.48+63T>C (NM_001317184.2); c.-1568+63T>C (NM_001317185.2).
Identifiers: ClinVar variation 2502961 (VCV002502961.1), dbSNP rs3833051, ClinGen allele CA283273661.
Genomic context (GRCh38, chr16:68,737,526, plus strand): 5'-ACCCCGGATCCCCTGACTTGCGAGGGACGCATTCGGGCCGCAAGCTCCGCGCCCCAGCCC[T>C]GCGCCCCTTCCTCTCCCGTCGTCACCGCTTCCCTTCTTCCAAGAAAGTTCGGGTCCTGAG-3'